The following is an entry in ClinVar:

ClinVar aggregate classification (germline): Likely benign. Review status: criteria provided, multiple submitters, no conflicts (2 of 4 stars). 7 submissions from 7 submitters: Likely benign (5). 2 of the submissions do not count toward it. Last evaluated 2025-12-13.

Allele frequency attached by ClinVar (database versions not stated): TOPMed 0.00023; ESP Exome Variant Server 0.00031.
gnomAD v4.1: 340 of 1,607,770 alleles (0.021%); highest among the groups gnomAD compares: Middle Eastern, 1.1%; 2 homozygotes.

Submissions (7):

Labcorp Genetics (formerly Invitae), Labcorp
Classification: Likely benign. Last evaluated: 2025-12-13. Review status: criteria provided, single submitter. Criteria: Invitae Variant Classification Sherloc (09022015). Collection method: clinical testing. Allele origin: germline.

CeGaT Center for Human Genetics Tuebingen
Classification: Likely benign. Last evaluated: 2024-11-01. Review status: criteria provided, single submitter. Criteria: CeGaT Center For Human Genetics Tuebingen Variant Classification Criteria Version 2. Collection method: clinical testing. Allele origin: germline. Affected: yes. Observed: 6 variant alleles.
Comment: NFIA: BP4, BP7

Blueprint Genetics
Classification: Likely benign. Last evaluated: 2024-09-25. Review status: criteria provided, single submitter. Criteria: ACMG Guidelines, 2015. Collection method: clinical testing. Allele origin: germline.

Genetic Services Laboratory, University of Chicago
Classification: Likely benign. Last evaluated: 2016-10-05. Review status: criteria provided, single submitter. Criteria: ACMG Guidelines, 2015. Collection method: clinical testing. Allele origin: germline. Affected: no.

Breakthrough Genomics
Classification: Likely benign. Review status: criteria provided, single submitter. Criteria: ACMG Guidelines, 2015. Collection method: not provided. Allele origin: germline. Inheritance: Autosomal dominant inheritance. Affected: yes.

Clinical Genetics DNA and cytogenetics Diagnostics Lab, Erasmus MC, Erasmus Medical Center
Classification: Likely benign. Review status: no assertion criteria provided. Collection method: clinical testing. Allele origin: germline. Affected: yes. Study: VKGL Data-share Consensus. Not counted in ClinVar's aggregate classification.

Genome Diagnostics Laboratory, University Medical Center Utrecht
Classification: Likely benign. Review status: no assertion criteria provided. Collection method: clinical testing. Allele origin: germline. Affected: yes. Study: VKGL Data-share Consensus. Not counted in ClinVar's aggregate classification.

NM_001134673.4(NFIA):c.1413G>A (p.Thr471=)

Gene: NFIA (nuclear factor I A; plus strand). Cytogenetic location: 1p31.3.
Variant type: single nucleotide variant.
Coding change: c.1413G>A on transcript NM_001134673.4 (MANE Select); coding-DNA position 1413, G replaced by A.
Protein change: p.Thr471=; no amino-acid change (threonine 471 retained).
Molecular consequence: synonymous variant.
Genome position (GRCh38, 1-based): chr1:61,406,720, G>A. VCF-style: chr1-61406720-G-A. GRCh37 (hg19) VCF-style: chr1-61872392-G-A.
Other names: c.1389G>A, p.Thr463= (NM_001145511.2); c.1548G>A, p.Thr516= (NM_001145512.2); c.1413G>A, p.Thr471= (NM_005595.5).
Identifiers: ClinVar variation 435977 (VCV000435977.37), dbSNP rs146012018, ClinGen allele CA881289.